The following is an entry in ClinVar:

ClinVar aggregate classification (germline): Uncertain significance (1 of 4 stars; one submission).

Submission:

Dasa
Classification: Uncertain significance. Last evaluated: 2025-06-13. Review status: criteria provided, single submitter. Criteria: DASA Assertion Criteria. Collection method: clinical testing. Allele origin: germline.
Comment: NM_004423.4(DVL3):c.1581_1637del (p.Gly528_Pro546del) is an in-frame deletion predicted to remove amino acids from glycine at protein position 528 through proline at protein position 546 without shifting the reading frame. This variant is absent from population databases. The currently available literature and clinical evidence are not sufficient to establish a definitive association between this variant and the reported condition. Therefore, this variant is classified as a variant of uncertain significance.

NM_004423.4(DVL3):c.1581_1637del (p.Gly528_Pro546del)

Gene: DVL3 (dishevelled segment polarity protein 3; plus strand). Cytogenetic location: 3q27.1.
Variant type: Deletion.
Coding change: c.1581_1637del on transcript NM_004423.4 (MANE Select); coding-DNA positions 1581 to 1637, 57 bases deleted.
Protein change: p.Gly528_Pro546del.
Molecular consequence: inframe deletion.
Genome position (GRCh38, 1-based): chr3:184,170,088-184,170,144, 57 bases deleted. GRCh37 (hg19): chr3:183,887,876-183,887,932.
Identifiers: ClinVar variation 4886378 (VCV004886378.2).